The following is an entry in ClinVar:

NM_001365276.2(TNXB):c.998C>A (p.Thr333Asn)

Gene: TNXB (tenascin XB; minus strand). Cytogenetic location: 6p21.33.
Variant type: single nucleotide variant.
Coding change: c.998C>A on transcript NM_001365276.2 (MANE Select); coding-DNA position 998, C replaced by A.
Protein change: p.Thr333Asn; replaces threonine 333 with asparagine.
Molecular consequence: missense variant.
Genome position (GRCh38, 1-based): chr6:32,096,855, G>T on the plus strand (C>A on the coding strand, the complement: TNXB is on the minus strand). VCF-style: chr6-32096855-G-T. GRCh37 (hg19) VCF-style: chr6-32064632-G-T.
Other names: c.998C>A, p.Thr333Asn (NM_001428335.1, NM_019105.8); short protein forms T333N.
Identifiers: ClinVar variation 3227375 (VCV003227375.1), dbSNP rs1482889641, ClinGen allele CA363484328.

ClinVar aggregate classification (germline): Uncertain significance (1 of 4 stars; one submission).

Conditions:
Cardiovascular phenotype. Identifiers: MedGen CN230736.

Allele frequency attached by ClinVar (database versions not stated): TOPMed below 0.00001; gnomAD 0.00001; gnomAD exomes 0.00001.
gnomAD v4.1: 11 of 1,606,826 alleles (0.00068%); highest among the groups gnomAD compares: Non-Finnish European, 0.00068%; no homozygotes.

Submission:

Ambry Genetics
Classification: Uncertain significance for Cardiovascular phenotype. Last evaluated: 2023-11-22. Review status: criteria provided, single submitter. Criteria: Ambry Variant Classification Scheme 2023. Collection method: clinical testing. Allele origin: germline.
Comment: The p.T333N variant (also known as c.998C>A), located in coding exon 2 of the TNXB gene, results from a C to A substitution at nucleotide position 998. The threonine at codon 333 is replaced by asparagine, an amino acid with similar properties. This amino acid position is conserved. In addition, this alteration is predicted to be tolerated by in silico analysis. Since supporting evidence is limited at this time, the clinical significance of this alteration remains unclear.